The following is an entry in ClinVar:

ClinVar aggregate classification (germline): Uncertain significance (1 of 4 stars; one submission).

Conditions:
Nephronophthisis. Also called: Juvenile Nephronophthisis. Identifiers: Orphanet 655, MedGen C0687120, MONDO:0019005, HP:0000090.

Allele frequency attached by ClinVar (database versions not stated): ExAC 0.00001; gnomAD exomes 0.00001.
gnomAD v4.1: 12 of 1,613,994 alleles (0.00074%); highest among the groups gnomAD compares: African/African-American, 0.008%; no homozygotes.

Submission:

Labcorp Genetics (formerly Invitae), Labcorp
Classification: Uncertain significance for Nephronophthisis. Last evaluated: 2023-11-13. Review status: criteria provided, single submitter. Criteria: Invitae Variant Classification Sherloc (09022015). Collection method: clinical testing. Allele origin: germline.
Comment: This sequence change replaces leucine, which is neutral and non-polar, with phenylalanine, which is neutral and non-polar, at codon 197 of the NPHP3 protein (p.Leu197Phe). This variant is present in population databases (rs111707939, gnomAD 0.007%). This variant has not been reported in the literature in individuals affected with NPHP3-related conditions. ClinVar contains an entry for this variant (Variation ID: 1427026). Advanced modeling of protein sequence and biophysical properties (such as structural, functional, and spatial information, amino acid conservation, physicochemical variation, residue mobility, and thermodynamic stability) performed at Invitae indicates that this missense variant is not expected to disrupt NPHP3 protein function with a negative predictive value of 80%. In summary, the available evidence is currently insufficient to determine the role of this variant in disease. Therefore, it has been classified as a Variant of Uncertain Significance.

NM_153240.5(NPHP3):c.589C>T (p.Leu197Phe)

Genes: NPHP3 (nephrocystin 3; minus strand), NPHP3-ACAD11 (NPHP3-ACAD11 readthrough (NMD candidate); minus strand). Cytogenetic location: 3q22.1.
Variant type: single nucleotide variant.
Coding change: c.589C>T on transcript NM_153240.5 (MANE Select); coding-DNA position 589, C replaced by T.
Protein change: p.Leu197Phe; replaces leucine 197 with phenylalanine.
Molecular consequence: missense variant. On other transcripts: non-coding transcript variant (1).
Genome position (GRCh38, 1-based): chr3:132,719,075, G>A on the plus strand (C>T on the coding strand, the complement: NPHP3 is on the minus strand). VCF-style: chr3-132719075-G-A. GRCh37 (hg19) VCF-style: chr3-132437919-G-A.
Other names: short protein forms L197F.
Identifiers: ClinVar variation 1427026 (VCV001427026.4), dbSNP rs111707939, ClinGen allele CA2622556.